The following is an entry in ClinVar:

NM_006514.4(SCN10A):c.1079G>T (p.Arg360Leu)

Gene: SCN10A (sodium voltage-gated channel alpha subunit 10; minus strand). Cytogenetic location: 3p22.2.
Variant type: single nucleotide variant.
Coding change: c.1079G>T on transcript NM_006514.4 (MANE Select); coding-DNA position 1079, G replaced by T.
Protein change: p.Arg360Leu; replaces arginine 360 with leucine.
Molecular consequence: missense variant.
Genome position (GRCh38, 1-based): chr3:38,757,031, C>A on the plus strand (G>T on the coding strand, the complement: SCN10A is on the minus strand). VCF-style: chr3-38757031-C-A. GRCh37 (hg19) VCF-style: chr3-38798522-C-A.
Other names: c.1079G>T, p.Arg360Leu (NM_001293306.2, NM_001293307.2); c.1079G>T (NM_006514.2); short protein forms R360L.
Identifiers: ClinVar variation 1052158 (VCV001052158.40), dbSNP rs762451403, ClinGen allele CA2320985.
Genomic context (GRCh38, chr3:38,757,031, plus strand): 5'-CCCACCAGCCTCCAACCAAGTCTGCGTGGGGGAATGCAGCTCAGTACCTGCTGGTAGAGG[C>A]GTTCCCAGGAATCCTGTGTCATGAGGCGGAACAGTGAGAGGAAAGCCCAAGCAAAGGAAT-3'
Protein context (NP_006505.4, residues 350-370): FRLMTQDSWE[Arg360Leu]LYQQTLRTSG

ClinVar aggregate classification (germline): Uncertain significance. Review status: criteria provided, multiple submitters, no conflicts (2 of 4 stars). 3 submissions from 3 submitters: Uncertain significance (3). Last evaluated 2025-04-13.

Conditions:
Cardiovascular phenotype. Identifiers: MedGen CN230736.
Brugada syndrome. Also called: Sudden unexpected nocturnal death syndrome; Sudden unexplained nocturnal death syndrome; Sudden Unexplained Death Syndrome; Sudden Unexplained Nocturnal Death Syndrome (SUNDS). Identifiers: Orphanet 130, MedGen C1142166, MONDO:0015263.

gnomAD v4.1: 10 of 1,610,242 alleles (0.00062%); highest among the groups gnomAD compares: Non-Finnish European, 0.00051%; no homozygotes.

Submissions (3):

Ambry Genetics
Classification: Uncertain significance for Cardiovascular phenotype. Last evaluated: 2025-04-13. Review status: criteria provided, single submitter. Criteria: Ambry Variant Classification Scheme 2023. Collection method: clinical testing. Allele origin: germline.

Labcorp Genetics (formerly Invitae), Labcorp
Classification: Uncertain significance for Brugada syndrome. Last evaluated: 2022-02-10. Review status: criteria provided, single submitter. Criteria: Invitae Variant Classification Sherloc (09022015). Collection method: clinical testing. Allele origin: germline.
Comment: This sequence change replaces arginine, which is basic and polar, with leucine, which is neutral and non-polar, at codon 360 of the SCN10A protein (p.Arg360Leu). This variant is not present in population databases (gnomAD no frequency). This variant has not been reported in the literature in individuals affected with SCN10A-related conditions. ClinVar contains an entry for this variant (Variation ID: 1052158). Advanced modeling of protein sequence and biophysical properties (such as structural, functional, and spatial information, amino acid conservation, physicochemical variation, residue mobility, and thermodynamic stability) performed at Invitae indicates that this missense variant is expected to disrupt SCN10A protein function. In summary, the available evidence is currently insufficient to determine the role of this variant in disease. Therefore, it has been classified as a Variant of Uncertain Significance.

CeGaT Center for Human Genetics Tuebingen
Classification: Uncertain significance. Last evaluated: 2021-06-01. Review status: criteria provided, single submitter. Criteria: CeGaT Center For Human Genetics Tuebingen Variant Classification Criteria Version 2. Collection method: clinical testing. Allele origin: germline. Affected: yes. Observed: 1 variant allele.